The following is an entry in ClinVar:

ClinVar aggregate classification (germline): Uncertain significance (1 of 4 stars; one submission).

gnomAD v4.1: 36 of 1,612,286 alleles (0.0022%); highest among the groups gnomAD compares: Non-Finnish European, 0.0025%; no homozygotes.

Submission:

Labcorp Genetics (formerly Invitae), Labcorp
Classification: Uncertain significance. Last evaluated: 2025-08-18. Review status: criteria provided, single submitter. Criteria: Invitae Variant Classification Sherloc (09022015). Collection method: clinical testing. Allele origin: germline.
Comment: This sequence change replaces arginine, which is basic and polar, with cysteine, which is neutral and slightly polar, at codon 747 of the ZNF341 protein (p.Arg747Cys). This variant is present in population databases (rs751428049, gnomAD 0.005%). This variant has not been reported in the literature in individuals affected with ZNF341-related conditions. An algorithm developed to predict the effect of missense changes on protein structure and function outputs the following: PolyPhen-2: "Benign". The cysteine amino acid residue is found in multiple mammalian species, which suggests that this missense change does not adversely affect protein function. In summary, the available evidence is currently insufficient to determine the role of this variant in disease. Therefore, it has been classified as a Variant of Uncertain Significance.

NM_001282933.2(ZNF341):c.2260C>T (p.Arg754Cys)

Genes: ZNF341 (zinc finger protein 341; plus strand), ZNF341-AS1 (ZNF341 antisense RNA 1; minus strand). Cytogenetic location: 20q11.22.
Variant type: single nucleotide variant.
Coding change: c.2260C>T on transcript NM_001282933.2 (MANE Select); coding-DNA position 2260, C replaced by T.
Protein change: p.Arg754Cys; replaces arginine 754 with cysteine.
Molecular consequence: missense variant. On other transcripts: non-coding transcript variant (1).
Genome position (GRCh38, 1-based): chr20:33,791,212, C>T. VCF-style: chr20-33791212-C-T. GRCh37 (hg19) VCF-style: chr20-32379018-C-T.
Other names: c.1990C>T, p.Arg664Cys (NM_001282935.2); c.2239C>T, p.Arg747Cys (NM_032819.5); short protein forms R664C, R754C, R747C.
Identifiers: ClinVar variation 4778158 (VCV004778158.1).
Genomic context (GRCh38, chr20:33,791,212, plus strand): 5'-GGCCCCCAAAAGGACAAGGACCTGCAAACCCGGCGGCCCCCCCAGAGGAGGGCAGCCCCC[C>T]GCAGTTGCGGCAGTGGTGGGCGCAAGGTGCTGACCCCCTTGCCTGACCCGCTGGGGCTGG-3'
Protein context (NP_001269862.1, residues 744-764): RRPPQRRAAP[Arg754Cys]SCGSGGRKVL